The following is an entry in ClinVar:

NM_001377.3(DYNC2H1):c.4537C>T (p.Gln1513Ter)

Gene: DYNC2H1 (dynein cytoplasmic 2 heavy chain 1; plus strand). Cytogenetic location: 11q22.3.
Variant type: single nucleotide variant.
Coding change: c.4537C>T on transcript NM_001377.3 (MANE Select); coding-DNA position 4537, C replaced by T.
Protein change: p.Gln1513Ter; replaces glutamine 1513 with a stop codon.
Molecular consequence: nonsense.
Genome position (GRCh38, 1-based): chr11:103,163,073, C>T. VCF-style: chr11-103163073-C-T. GRCh37 (hg19) VCF-style: chr11-103033802-C-T.
Other names: c.4537C>T, p.Gln1513Ter (NM_001080463.2); short protein forms Q1513*.
Identifiers: ClinVar variation 2863410 (VCV002863410.4), dbSNP rs2497097522, ClinGen allele CA382239132.

ClinVar aggregate classification (germline): Pathogenic. Review status: criteria provided, multiple submitters, no conflicts (2 of 4 stars). 2 submissions from 2 submitters: Pathogenic (2). Last evaluated 2026-08-29.

Conditions:
Jeune thoracic dystrophy. Also called: Jeune syndrome; Infantile thoracic dystrophy; Thoracic pelvic phalangeal dystrophy; Jeune's syndrome; Chondroectodermal dysplasia-like syndrome; Short-rib thoracic dysplasia. Identifiers: Orphanet 474, MedGen C0265275, MONDO:0018770.
Asphyxiating thoracic dystrophy 3. Also called: SHORT-RIB THORACIC DYSPLASIA 3 WITH OR WITHOUT POLYDACTYLY; POLYDACTYLY WITH NEONATAL CHONDRODYSTROPHY, TYPE I; SHORT-RIB THORACIC DYSPLASIA 3/6 WITH POLYDACTYLY, DIGENIC; Short rib polydactyly syndrome 2B; Saldino-Noonan Syndrome. Identifiers: Orphanet 474, Orphanet 93269, Orphanet 93270, Orphanet 93271, MedGen C0036069, MONDO:0013127, OMIM 613091.

Submissions (2):

Myriad Genetics, Inc.
Classification: Pathogenic for Asphyxiating thoracic dystrophy 3. Last evaluated: 2026-08-29. Review status: criteria provided, single submitter. Criteria: Myriad Autosomal Dominant, Autosomal Recessive and X-Linked Classification Criteria (2023). Collection method: clinical testing. Allele origin: unknown.
Comment: NM_001377.2(DYNC2H1):c.4537C>T(Q1513*) is expected to be pathogenic in the context of DYNC2H1-related disorders. This variant is predicted to lead to an abnormal or absent protein product due to the creation of a premature termination codon in DYNC2H1, a gene where loss-of-function variants are known to be pathogenic. Please note: this variant was assessed in the context of healthy population screening.

Labcorp Genetics (formerly Invitae), Labcorp
Classification: Pathogenic for Jeune thoracic dystrophy. Last evaluated: 2023-05-11. Review status: criteria provided, single submitter. Criteria: Invitae Variant Classification Sherloc (09022015). Collection method: clinical testing. Allele origin: germline.
Comment: For these reasons, this variant has been classified as Pathogenic. This variant has not been reported in the literature in individuals affected with DYNC2H1-related conditions. This variant is not present in population databases (gnomAD no frequency). This sequence change creates a premature translational stop signal (p.Gln1513*) in the DYNC2H1 gene. It is expected to result in an absent or disrupted protein product. Loss-of-function variants in DYNC2H1 are known to be pathogenic (PMID: 23339108, 32753734).

Literature cited by the submitters: PubMed 23339108 (cited by Labcorp Genetics (formerly Invitae), Labcorp); PubMed 32753734 (cited by Labcorp Genetics (formerly Invitae), Labcorp).